The following is an entry in ClinVar:

NM_001258392.3(CLPB):c.983G>A (p.Gly328Asp)

Gene: CLPB (ClpB family mitochondrial disaggregase; minus strand). Cytogenetic location: 11q13.4.
Variant type: single nucleotide variant.
Coding change: c.983G>A on transcript NM_001258392.3 (MANE Select); coding-DNA position 983, G replaced by A.
Protein change: p.Gly328Asp; replaces glycine 328 with aspartic acid.
Molecular consequence: missense variant.
Genome position (GRCh38, 1-based): chr11:72,317,111, C>T on the plus strand (G>A on the coding strand, the complement: CLPB is on the minus strand). VCF-style: chr11-72317111-C-T. GRCh37 (hg19) VCF-style: chr11-72028155-C-T.
Other names: c.896G>A, p.Gly299Asp (NM_001258393.3); c.938G>A, p.Gly313Asp (NM_001258394.3); c.1073G>A, p.Gly358Asp (NM_030813.6); short protein forms G358D, G328D, G313D, G299D.
Identifiers: ClinVar variation 568834 (VCV000568834.9), dbSNP rs1565433670, ClinGen allele CA381738016.

ClinVar aggregate classification (germline): Uncertain significance (1 of 4 stars; one submission).

Conditions:
3-methylglutaconic aciduria, type VIIB (MGCA7B). Also called: CLPB Deficiency; 3-methylglutaconic aciduria, type VII, with cataracts, neurologic involvement and neutropenia; 3-methylglutaconic aciduria with cataracts, neurologic involvement and neutropenia. Identifiers: Orphanet 445038, MedGen C5676893, MONDO:0014561, OMIM 616271.

Submission:

Labcorp Genetics (formerly Invitae), Labcorp
Classification: Uncertain significance for 3-methylglutaconic aciduria, type VIIB. Last evaluated: 2018-01-24. Review status: criteria provided, single submitter. Criteria: Invitae Variant Classification Sherloc (09022015). Collection method: clinical testing. Allele origin: germline.
Comment: In summary, the available evidence is currently insufficient to determine the role of this variant in disease. Therefore, it has been classified as a Variant of Uncertain Significance. Algorithms developed to predict the effect of missense changes on protein structure and function do not agree on the potential impact of this missense change (SIFT: "Deleterious"; PolyPhen-2: "Benign"; Align-GVGD: "Class C0"). This variant has not been reported in the literature in individuals with CLPB-related disease. This variant is not present in population databases (ExAC no frequency). This sequence change replaces glycine with aspartic acid at codon 358 of the CLPB protein (p.Gly358Asp). The glycine residue is moderately conserved and there is a moderate physicochemical difference between glycine and aspartic acid.